The following is an entry in ClinVar:

ClinVar aggregate classification (germline): Uncertain significance (1 of 4 stars; one submission).

Conditions:
Catecholaminergic polymorphic ventricular tachycardia 1. Also called: VENTRICULAR TACHYCARDIA, STRESS-INDUCED POLYMORPHIC 1; RYR2-Related Catecholaminergic Polymorphic Ventricular Tachycardia; VENTRICULAR TACHYCARDIA, CATECHOLAMINERGIC POLYMORPHIC, 1, WITH OR WITHOUT ATRIAL DYSFUNCTION AND/OR DILATED CARDIOMYOPATHY. Identifiers: Orphanet 3286, MedGen C1631597, MONDO:0011484, OMIM 604772.

Allele frequency attached by ClinVar (database versions not stated): gnomAD exomes below 0.00001.
gnomAD v4.1: 2 of 1,609,130 alleles (0.00012%); highest among the groups gnomAD compares: Non-Finnish European, 0.00017%; no homozygotes.

Submission:

Labcorp Genetics (formerly Invitae), Labcorp
Classification: Uncertain significance for Catecholaminergic polymorphic ventricular tachycardia 1. Last evaluated: 2024-09-02. Review status: criteria provided, single submitter. Criteria: Invitae Variant Classification Sherloc (09022015). Collection method: clinical testing. Allele origin: germline.
Comment: This sequence change replaces arginine, which is basic and polar, with cysteine, which is neutral and slightly polar, at codon 1031 of the RYR2 protein (p.Arg1031Cys). This variant is present in population databases (no rsID available, gnomAD 0.002%). This variant has not been reported in the literature in individuals affected with RYR2-related conditions. Invitae Evidence Modeling of protein sequence and biophysical properties (such as structural, functional, and spatial information, amino acid conservation, physicochemical variation, residue mobility, and thermodynamic stability) indicates that this missense variant is not expected to disrupt RYR2 protein function with a negative predictive value of 95%. In summary, the available evidence is currently insufficient to determine the role of this variant in disease. Therefore, it has been classified as a Variant of Uncertain Significance.

NM_001035.3(RYR2):c.3091C>T (p.Arg1031Cys)

Gene: RYR2 (ryanodine receptor 2; plus strand). Cytogenetic location: 1q43.
Variant type: single nucleotide variant.
Coding change: c.3091C>T on transcript NM_001035.3 (MANE Select); coding-DNA position 3091, C replaced by T.
Protein change: p.Arg1031Cys; replaces arginine 1031 with cysteine.
Molecular consequence: missense variant.
Genome position (GRCh38, 1-based): chr1:237,550,568, C>T. VCF-style: chr1-237550568-C-T. GRCh37 (hg19) VCF-style: chr1-237713868-C-T.
Other names: short protein forms R1031C.
Identifiers: ClinVar variation 2715543 (VCV002715543.3), dbSNP rs1438792084, ClinGen allele CA345394547.